The following is an entry in ClinVar:

NM_033159.4(HYAL1):c.1256G>A (p.Arg419Gln)

Gene: HYAL1 (hyaluronidase 1; minus strand). Cytogenetic location: 3p21.31.
Variant type: single nucleotide variant.
Coding change: c.1256G>A on transcript NM_033159.4 (MANE Select); coding-DNA position 1256, G replaced by A.
Protein change: p.Arg419Gln; replaces arginine 419 with glutamine.
Molecular consequence: missense variant. On other transcripts: non-coding transcript variant (1).
Genome position (GRCh38, 1-based): chr3:50,300,535, C>T on the plus strand (G>A on the coding strand, the complement: HYAL1 is on the minus strand). VCF-style: chr3-50300535-C-T. GRCh37 (hg19) VCF-style: chr3-50337966-C-T.
Other names: c.1256G>A, p.Arg419Gln (NM_153281.2); c.1166G>A, p.Arg389Gln (NM_153282.3); c.710G>A, p.Arg237Gln (NM_153283.3); c.479G>A, p.Arg160Gln (NM_153285.3); short protein forms R160Q, R237Q, R389Q, R419Q.
Identifiers: ClinVar variation 901014 (VCV000901014.7), dbSNP rs374011925, ClinGen allele CA2415700.
Genomic context (GRCh38, chr3:50,300,535, plus strand): 5'-GTGGCCAATCACCACATGCTCTTCCGCTCACACCACGGTGCCTGCCAGCCAGGGTAGCAT[C>T]GACATTTGAACTCCACAGCCATCTGTGCCTGATCTTCAAGTGAGAGGGCACCCCGCAGGC-3'
Protein context (NP_149349.2, residues 409-429): QAQMAVEFKC[Arg419Gln]CYPGWQAPWC

ClinVar aggregate classification (germline): Uncertain significance. Review status: criteria provided, multiple submitters, no conflicts (2 of 4 stars). 2 submissions from 2 submitters: Uncertain significance (2). Last evaluated 2025-06-23.

Conditions:
Deficiency of hyaluronoglucosaminidase (MPS9). Also called: Mucopolysaccharidosis type 9; HYALURONIDASE DEFICIENCY; MPS IX. Identifiers: Orphanet 67041, MedGen C1291490, MONDO:0011093, OMIM 601492.

Allele frequency attached by ClinVar (database versions not stated): gnomAD exomes 0.00003 and 0.00005; TOPMed 0.00003; ExAC 0.00004; gnomAD 0.00005 and 0.00006; ESP Exome Variant Server 0.00008.
gnomAD v4.1: 80 of 1,614,112 alleles (0.005%); highest among the groups gnomAD compares: Middle Eastern, 0.016%; no homozygotes.

Submissions (2):

Labcorp Genetics (formerly Invitae), Labcorp
Classification: Uncertain significance for Deficiency of hyaluronoglucosaminidase. Last evaluated: 2025-06-23. Review status: criteria provided, single submitter. Criteria: Invitae Variant Classification Sherloc (09022015). Collection method: clinical testing. Allele origin: germline.
Comment: This sequence change replaces arginine, which is basic and polar, with glutamine, which is neutral and polar, at codon 419 of the HYAL1 protein (p.Arg419Gln). This variant is present in population databases (rs374011925, gnomAD 0.007%). This variant has not been reported in the literature in individuals affected with HYAL1-related conditions. ClinVar contains an entry for this variant (Variation ID: 901014). An algorithm developed to predict the effect of missense changes on protein structure and function outputs the following: PolyPhen-2: "Benign". The glutamine amino acid residue is found in multiple mammalian species, which suggests that this missense change does not adversely affect protein function. In summary, the available evidence is currently insufficient to determine the role of this variant in disease. Therefore, it has been classified as a Variant of Uncertain Significance.

Illumina Laboratory Services, Illumina
Classification: Uncertain significance for Deficiency of hyaluronoglucosaminidase. Last evaluated: 2018-01-13. Review status: criteria provided, single submitter. Criteria: ICSL Variant Classification Criteria 13 December 2019. Collection method: clinical testing. Allele origin: germline.